The following is an entry in ClinVar:

NM_000444.6(PHEX):c.2240G>C (p.Arg747Pro)

Genes: PHEX (phosphate regulating endopeptidase X-linked; plus strand), PTCHD1-AS (PTCHD1 and PHEX antisense RNA; minus strand). Cytogenetic location: Xp22.11.
Variant type: single nucleotide variant.
Coding change: c.2240G>C on transcript NM_000444.6 (MANE Select); coding-DNA position 2240, G replaced by C.
Protein change: p.Arg747Pro; replaces arginine 747 with proline.
Molecular consequence: missense variant. On other transcripts: 3 prime UTR variant (1).
Genome position (GRCh38, 1-based): chrX:22,247,943, G>C. VCF-style: chrX-22247943-G-C. GRCh37 (hg19) VCF-style: chrX-22266060-G-C.
Other names: c.*75G>C (NM_001282754.2); short protein forms R747P.
Identifiers: ClinVar variation 1521884 (VCV001521884.8), dbSNP rs138773278, ClinGen allele CA412575556.

ClinVar aggregate classification (germline): Likely pathogenic (1 of 4 stars; one submission).

Submission:

Labcorp Genetics (formerly Invitae), Labcorp
Classification: Likely pathogenic. Last evaluated: 2022-07-17. Review status: criteria provided, single submitter. Criteria: Invitae Variant Classification Sherloc (09022015). Collection method: clinical testing. Allele origin: germline.
Comment: In summary, the currently available evidence indicates that the variant is pathogenic, but additional data are needed to prove that conclusively. Therefore, this variant has been classified as Likely Pathogenic. This variant is not present in population databases (gnomAD no frequency). This missense change has been observed in individual(s) with clinical features of hypophosphatemia (Invitae). ClinVar contains an entry for this variant (Variation ID: 1521884). Advanced modeling of protein sequence and biophysical properties (such as structural, functional, and spatial information, amino acid conservation, physicochemical variation, residue mobility, and thermodynamic stability) performed at Invitae indicates that this missense variant is expected to disrupt PHEX protein function. Algorithms developed to predict the effect of sequence changes on RNA splicing suggest that this variant may disrupt the consensus splice site. This sequence change replaces arginine, which is basic and polar, with proline, which is neutral and non-polar, at codon 747 of the PHEX protein (p.Arg747Pro).